The following is an entry in ClinVar:

ClinVar aggregate classification (germline): Conflicting classifications of pathogenicity. Review status: criteria provided, conflicting classifications (1 of 4 stars). 2 submissions from 2 submitters: Uncertain significance (1); Likely benign (1). Last evaluated 2024-09-20.

Conditions:
Stromme syndrome (STROMS). Also called: APPLE PEEL SYNDROME WITH MICROCEPHALY AND OCULAR ANOMALIES; Strømme Syndrome; Ciliary dyskinesia, primary, 31. Identifiers: Orphanet 444069, Orphanet 506307, MedGen C1855705, MONDO:0009477, OMIM 243605.

Allele frequency attached by ClinVar (database versions not stated): gnomAD 0.00004; TOPMed 0.00004; gnomAD exomes 0.00008; ExAC 0.00012; 1000 Genomes Project 30x 0.00016; 1000 Genomes Project 0.00020.
gnomAD v4.1: 117 of 1,614,106 alleles (0.0072%); highest among the groups gnomAD compares: East Asian, 0.23%; no homozygotes.

Submissions (2):

3billion
Classification: Likely benign for Stromme syndrome. Last evaluated: 2024-09-20. Review status: criteria provided, single submitter. Criteria: ACMG Guidelines, 2015. Collection method: clinical testing. Allele origin: germline. Affected: no.
Comment: The homozygous variant was found in patients diagnosed with another variant in a different gene, with no symptoms related to the gene containing the homozygous variant.

Revvity Omics, Revvity
Classification: Uncertain significance for Stromme syndrome. Last evaluated: 2021-07-20. Review status: criteria provided, single submitter. Criteria: ACMG Guidelines, 2015. Collection method: clinical testing. Allele origin: germline.

NM_016343.4(CENPF):c.6214T>C (p.Ser2072Pro)

Gene: CENPF (centromere protein F; plus strand). Cytogenetic location: 1q41.
Variant type: single nucleotide variant.
Coding change: c.6214T>C on transcript NM_016343.4 (MANE Select); coding-DNA position 6214, T replaced by C.
Protein change: p.Ser2072Pro; replaces serine 2072 with proline.
Molecular consequence: missense variant.
Genome position (GRCh38, 1-based): chr1:214,645,784, T>C. VCF-style: chr1-214645784-T-C. GRCh37 (hg19) VCF-style: chr1-214819127-T-C.
Other names: short protein forms S2072P.
Identifiers: ClinVar variation 2439896 (VCV002439896.4), dbSNP rs3748694, ClinGen allele CA1390919.